The following is an entry in ClinVar:

ClinVar aggregate classification (germline): Likely pathogenic (1 of 4 stars; one submission).

Conditions:
DYRK1A-related intellectual disability syndrome (MRD7). Also called: Intellectual developmental disorder, autosomal dominant 7; DYRK1A Syndrome. Identifiers: Orphanet 464306, MedGen C5568143, MONDO:0013578, OMIM 614104.

Submission:

Labcorp Genetics (formerly Invitae), Labcorp
Classification: Likely pathogenic for DYRK1A-related intellectual disability syndrome. Last evaluated: 2023-12-02. Review status: criteria provided, single submitter. Criteria: Invitae Variant Classification Sherloc (09022015). Collection method: clinical testing. Allele origin: germline.
Comment: This sequence change affects an acceptor splice site in intron 4 of the DYRK1A gene. It is expected to disrupt RNA splicing. Variants that disrupt the donor or acceptor splice site typically lead to a loss of protein function (PMID: 16199547), and loss-of-function variants in DYRK1A are known to be pathogenic (PMID: 25944381). This variant is not present in population databases (gnomAD no frequency). This variant has not been reported in the literature in individuals affected with DYRK1A-related conditions. Algorithms developed to predict the effect of sequence changes on RNA splicing suggest that this variant may disrupt the consensus splice site. In summary, the currently available evidence indicates that the variant is pathogenic, but additional data are needed to prove that conclusively. Therefore, this variant has been classified as Likely Pathogenic.

Literature cited by the submitters: PubMed 16199547; PubMed 25944381.

NM_001347721.2(DYRK1A):c.490-1G>C

Gene: DYRK1A (dual specificity tyrosine phosphorylation regulated kinase 1A; plus strand). Cytogenetic location: 21q22.13.
Variant type: single nucleotide variant.
Coding change: c.490-1G>C on transcript NM_001347721.2 (MANE Select); the canonical splice acceptor site of the intron before coding-DNA position 490, G replaced by C.
Molecular consequence: splice acceptor variant.
Genome position (GRCh38, 1-based): chr21:37,486,466, G>C. VCF-style: chr21-37486466-G-C. GRCh37 (hg19) VCF-style: chr21-38858768-G-C.
Other names: c.517-1G>C (NM_001396.5, NM_101395.2, NM_130438.2); c.490-1G>C (NM_001347722.2, NM_130436.2); c.403-1G>C (NM_001347723.2).
Identifiers: ClinVar variation 2700489 (VCV002700489.3), dbSNP rs1064796939, ClinGen allele CA409945508.
Genomic context (GRCh38, chr21:37,486,466, plus strand): 5'-ATAAATTATTGTGAAATTTTTGCAATTAATGAAATAGAGAATTATTCATCTTCTCTTTTA[G>C]GTTGTAAAGGCATATGATCGTGTGGAGCAAGAATGGGTTGCCATTAAAATAATAAAGAAC-3'